The following is an entry in ClinVar:

ClinVar aggregate classification (germline): Uncertain significance (1 of 4 stars; one submission).

Conditions:
Familial adenomatous polyposis 1 (FAP1). Also called: FAMILIAL ADENOMATOUS POLYPOSIS 1, ATTENUATED; POLYPOSIS, ADENOMATOUS INTESTINAL. Identifiers: MedGen C2713442, MONDO:0021056, OMIM 175100. Disease mechanism: loss of function.

Submission:

Labcorp Genetics (formerly Invitae), Labcorp
Classification: Uncertain significance for Familial adenomatous polyposis 1. Last evaluated: 2024-11-24. Review status: criteria provided, single submitter. Criteria: Invitae Variant Classification Sherloc (09022015). Collection method: clinical testing. Allele origin: germline.
Comment: This variant occurs in a non-coding region of the APC gene. It does not change the encoded amino acid sequence of the APC protein. This variant is not present in population databases (gnomAD no frequency). This variant has not been reported in the literature in individuals affected with APC-related conditions. Experimental studies and prediction algorithms are not available or were not evaluated, and the functional significance of this variant is currently unknown. In summary, the available evidence is currently insufficient to determine the role of this variant in disease. Therefore, it has been classified as a Variant of Uncertain Significance.

NM_001127511.3(APC):c.-146C>G

Gene: APC (APC regulator of Wnt signaling pathway; plus strand). Cytogenetic location: 5q22.2.
Variant type: single nucleotide variant.
Coding change: c.-146C>G on transcript NM_001127511.3; 146 bases upstream of the start codon, C replaced by G.
Molecular consequence: 5 prime UTR variant. On other transcripts: non-coding transcript variant (2).
Genome position (GRCh38, 1-based): chr5:112,707,572, C>G. VCF-style: chr5-112707572-C-G. GRCh37 (hg19) VCF-style: chr5-112043269-C-G.
Other names: c.-96C>G (NM_001407448.1, NM_001407450.1, NM_001407457.1 and 1 more transcripts); c.-329C>G (NM_001407452.1, NM_001407456.1, NM_001407460.1 and 3 more transcripts); c.-120C>G (NM_001407453.1); c.-1364C>G (NM_001407470.1, NM_001407472.1); c.-146C>G (NM_001354897.2, NM_001354902.2, NM_001407446.1).
Identifiers: ClinVar variation 1042945 (VCV001042945.8), dbSNP rs1554060206, ClinGen allele CA1573442463.